The following is an entry in ClinVar:

NM_001292063.2(OTOG):c.6928C>T (p.Arg2310Cys)

Gene: OTOG (otogelin; plus strand). Cytogenetic location: 11p15.1.
Variant type: single nucleotide variant.
Coding change: c.6928C>T on transcript NM_001292063.2 (MANE Select); coding-DNA position 6928, C replaced by T.
Protein change: p.Arg2310Cys; replaces arginine 2310 with cysteine.
Molecular consequence: missense variant.
Genome position (GRCh38, 1-based): chr11:17,631,917, C>T. VCF-style: chr11-17631917-C-T. GRCh37 (hg19) VCF-style: chr11-17653464-C-T.
Other names: p.Arg2322Cys; c.6964C>T, p.Arg2322Cys (NM_001277269.2); short protein forms R2310C, R2322C.
Identifiers: ClinVar variation 2683142 (VCV002683142.1), dbSNP rs896254817, ClinGen allele CA218496001.

ClinVar aggregate classification (germline): Uncertain significance (1 of 4 stars; one submission).

gnomAD v4.1: 19 of 1,549,506 alleles (0.0012%); highest among the groups gnomAD compares: East Asian, 0.0073%; no homozygotes.

Submission:

Mayo Clinic Laboratories, Mayo Clinic
Classification: Uncertain significance. Last evaluated: 2022-09-06. Review status: criteria provided, single submitter. Criteria: ACMG Guidelines, 2015. Collection method: clinical testing. Allele origin: germline. Observed: 1 variant allele.
Comment: PM2_supporting